The following is an entry in ClinVar:

ClinVar aggregate classification (germline): Likely benign. Review status: criteria provided, single submitter (1 of 4 stars). 2 submissions from 2 submitters: Likely benign (1). 1 of the submissions does not count toward it. Last evaluated 2023-04-14.

Conditions:
PHKG2-related disorder. Also called: PHKG2-related condition.
Glycogen storage disease IXc (GSD9C). Also called: GSD IXc. Identifiers: Orphanet 264580, MedGen C2751643, MONDO:0013091, OMIM 613027.

Submissions (2):

Labcorp Genetics (formerly Invitae), Labcorp
Classification: Likely benign for Glycogen storage disease IXc. Last evaluated: 2023-04-14. Review status: criteria provided, single submitter. Criteria: Invitae Variant Classification Sherloc (09022015). Collection method: clinical testing. Allele origin: germline.

PreventionGenetics, part of Exact Sciences
Classification: Likely benign for PHKG2-related condition. Last evaluated: 2020-10-15. Review status: no assertion criteria provided. Collection method: clinical testing. Allele origin: germline. Not counted in ClinVar's aggregate classification.
Comment: This variant is classified as likely benign based on ACMG/AMP sequence variant interpretation guidelines (Richards et al. 2015 PMID: 25741868, with internal and published modifications).

NM_000294.3(PHKG2):c.392+10G>A

Gene: PHKG2 (phosphorylase kinase catalytic subunit gamma 2; plus strand). Cytogenetic location: 16p11.2.
Variant type: single nucleotide variant.
Coding change: c.392+10G>A on transcript NM_000294.3 (MANE Select); 10 bases into the intron after coding-DNA position 392, G replaced by A.
Molecular consequence: intron variant.
Genome position (GRCh38, 1-based): chr16:30,753,307, G>A. VCF-style: chr16-30753307-G-A. GRCh37 (hg19) VCF-style: chr16-30764628-G-A.
Other names: c.392+10G>A (NM_001172432.2, NM_000294.2).
Identifiers: ClinVar variation 2822056 (VCV002822056.5), dbSNP rs1230847298, ClinGen allele CA622170259.